The following is an entry in ClinVar:

ClinVar aggregate classification (germline): Pathogenic/Likely pathogenic. Review status: criteria provided, multiple submitters, no conflicts (2 of 4 stars). 2 submissions from 2 submitters: Pathogenic (1); Likely pathogenic (1). Last evaluated 2024-10-17.

Conditions:
TBCE-related disorder. Also called: TBCE-related disorders; TBCE-related condition.

Submissions (2):

Blueprint Genetics
Classification: Likely pathogenic for TBCE-related disorders. Last evaluated: 2024-10-17. Review status: criteria provided, single submitter. Criteria: ACMG Guidelines, 2015. Collection method: clinical testing. Allele origin: germline. Affected: yes. Observed: 2 variant alleles.

Labcorp Genetics (formerly Invitae), Labcorp
Classification: Pathogenic. Last evaluated: 2024-03-19. Review status: criteria provided, single submitter. Criteria: Invitae Variant Classification Sherloc (09022015). Collection method: clinical testing. Allele origin: germline.
Comment: This sequence change creates a premature translational stop signal (p.Gln123*) in the TBCE gene. It is expected to result in an absent or disrupted protein product. Loss-of-function variants in TBCE are known to be pathogenic (PMID: 27666369, 34134906, 34356170). This variant is not present in population databases (gnomAD no frequency). This variant has not been reported in the literature in individuals affected with TBCE-related conditions. For these reasons, this variant has been classified as Pathogenic.

Literature cited by the submitters: PubMed 27666369 (cited by Labcorp Genetics (formerly Invitae), Labcorp); PubMed 34134906 (cited by Labcorp Genetics (formerly Invitae), Labcorp); PubMed 34356170 (cited by Labcorp Genetics (formerly Invitae), Labcorp).

NM_003193.5(TBCE):c.367C>T (p.Gln123Ter)

Gene: TBCE (tubulin folding cofactor E; plus strand). Cytogenetic location: 1q42.3.
Variant type: single nucleotide variant.
Coding change: c.367C>T on transcript NM_003193.5 (MANE Select); coding-DNA position 367, C replaced by T.
Protein change: p.Gln123Ter; replaces glutamine 123 with a stop codon.
Molecular consequence: nonsense. On other transcripts: 5 prime UTR variant (1).
Genome position (GRCh38, 1-based): chr1:235,414,614, C>T. VCF-style: chr1-235414614-C-T. GRCh37 (hg19) VCF-style: chr1-235577929-C-T.
Other names: c.367C>T, p.Gln123Ter (NM_001079515.3, NM_001287801.2); c.-29C>T (NM_001287802.2); short protein forms Q123*.
Identifiers: ClinVar variation 3645764 (VCV003645764.3).
Genomic context (GRCh38, chr1:235,414,614, plus strand): 5'-ATTGTTACAATTGGAAATAAACCTGTGGAGACTATCGGTTTTGACTCTATTATGAAACAG[C>T]AAAGGTAAGTGGAGTTTATAACGGCAGAGCTGACTTTTATGGTTTTATTAAGGTTCAGAA-3'